The following is an entry in ClinVar:

ClinVar aggregate classification (germline): Likely pathogenic (1 of 4 stars; one submission).

Conditions:
Moyamoya disease with early-onset achalasia (MYMY6). Also called: MOYAMOYA DISEASE 6 WITH OR WITHOUT ACHALASIA. Identifiers: Orphanet 401945, MedGen C3810403, MONDO:0014331, OMIM 615750.

Submission:

Juno Genomics, Hangzhou Juno Genomics, Inc
Classification: Likely pathogenic for Moyamoya disease with early-onset achalasia. Review status: criteria provided, single submitter. Criteria: ACMG Guidelines, 2015. Collection method: clinical testing. Allele origin: germline.
Comment: Absent from controls (or at extremely low frequency if recessive) in Genome Aggregation Database.;Null variant in a gene where loss of function (LOF) is a known mechanism of disease.

NM_001130682.3(GUCY1A1):c.248dup (p.Glu85fs)

Gene: GUCY1A1 (guanylate cyclase 1 soluble subunit alpha 1; plus strand). Cytogenetic location: 4q32.1.
Variant type: Duplication.
Coding change: c.248dup on transcript NM_001130682.3 (MANE Select); coding-DNA position 248, one base duplicated (T; older notation c.248dupT).
Protein change: p.Glu85fs; shifts the reading frame from glutamic acid 85.
Molecular consequence: frameshift variant. On other transcripts: 5 prime UTR variant (2).
Genome position (GRCh38, 1-based): chr4:155,697,115, T duplicated; the last of 4 consecutive T bases (chr4:155,697,112-155,697,115); duplicating any one gives the same sequence. VCF-style (leftmost placement, unchanged base first): chr4-155697111-A-AT. GRCh37 (hg19) VCF-style: chr4-156618263-A-AT.
Other names: c.248dup, p.Glu85fs (NM_001379669.1, NM_001379670.1, NM_001379671.1 and 13 more transcripts); c.-458dup (NM_001440518.1, NM_001130685.3); short protein forms E85fs.
Identifiers: ClinVar variation 5019680 (VCV005019680.2).
Genomic context (GRCh38, chr4:155,697,111, plus strand): 5'-AGAAAAACCAGTCGGAGCCGAGTCTATCTTCACACTTTGGCAGAGAGTATTTGCAAACTG[A>AT]TTTTCCCAGAGGTGAGTGCGTGCTCTTTAGATTTTGAAATTGTAATACTTTGAAATTGTA-3'